The following is an entry in ClinVar:

NM_005257.6(GATA6):c.750C>T (p.Gly250=)

Gene: GATA6 (GATA binding protein 6; plus strand). Cytogenetic location: 18q11.2.
Variant type: single nucleotide variant.
Coding change: c.750C>T on transcript NM_005257.6 (MANE Select); coding-DNA position 750, C replaced by T.
Protein change: p.Gly250=; no amino-acid change (glycine 250 retained).
Molecular consequence: synonymous variant.
Genome position (GRCh38, 1-based): chr18:22,171,894, C>T. VCF-style: chr18-22171894-C-T. GRCh37 (hg19) VCF-style: chr18-19751855-C-T.
Identifiers: ClinVar variation 412722 (VCV000412722.17), dbSNP rs1024528816, ClinGen allele CA16615752.

ClinVar aggregate classification (germline): Likely benign. Review status: criteria provided, multiple submitters, no conflicts (2 of 4 stars). 4 submissions from 4 submitters: Likely benign (4). Last evaluated 2026-02-01.

Conditions:
GATA6-related disorder. Also called: GATA6-related condition.
Atrioventricular septal defect 5 (AVSD5). Identifiers: MedGen C3280939, MONDO:0013769, OMIM 614474.

Allele frequency attached by ClinVar (database versions not stated): TOPMed 0.00028.
gnomAD v4.1: 869 of 1,154,208 alleles (0.075%); highest among the groups gnomAD compares: Non-Finnish European, 0.087%; no homozygotes.

Submissions (4):

Labcorp Genetics (formerly Invitae), Labcorp
Classification: Likely benign for Atrioventricular septal defect 5. Last evaluated: 2026-02-01. Review status: criteria provided, single submitter. Criteria: Invitae Variant Classification Sherloc (09022015). Collection method: clinical testing. Allele origin: germline.

PreventionGenetics, part of Exact Sciences
Classification: Likely benign for GATA6-related condition. Last evaluated: 2025-09-09. Review status: criteria provided, single submitter. Criteria: ACMG Guidelines, 2015. Collection method: clinical testing. Allele origin: germline.
Comment: This variant is classified as likely benign based on ACMG/AMP sequence variant interpretation guidelines (Richards et al. 2015 PMID: 25741868, with internal and published modifications).

Blueprint Genetics
Classification: Likely benign. Last evaluated: 2024-09-30. Review status: criteria provided, single submitter. Criteria: ACMG Guidelines, 2015. Collection method: clinical testing. Allele origin: germline.

Genetic Services Laboratory, University of Chicago
Classification: Likely benign. Last evaluated: 2020-06-03. Review status: criteria provided, single submitter. Criteria: ACMG Guidelines, 2015. Collection method: clinical testing. Allele origin: germline. Affected: no.